The following is an entry in ClinVar:

NM_206933.4(USH2A):c.5705G>A (p.Gly1902Glu)

Genes: USH2A (usherin; minus strand), USH2A-AS2 (USH2A antisense RNA 2; plus strand). Cytogenetic location: 1q41.
Variant type: single nucleotide variant.
Coding change: c.5705G>A on transcript NM_206933.4 (MANE Select); coding-DNA position 5705, G replaced by A.
Protein change: p.Gly1902Glu; replaces glycine 1902 with glutamic acid.
Molecular consequence: missense variant.
Genome position (GRCh38, 1-based): chr1:216,073,168, C>T on the plus strand (G>A on the coding strand, the complement: USH2A is on the minus strand). VCF-style: chr1-216073168-C-T. GRCh37 (hg19) VCF-style: chr1-216246510-C-T.
Other names: short protein forms G1902E.
Identifiers: ClinVar variation 3075833 (VCV003075833.1), dbSNP rs2031618941, ClinGen allele CA344854276.

ClinVar aggregate classification (germline): Uncertain significance (1 of 4 stars; one submission).

Allele frequency attached by ClinVar (database versions not stated): gnomAD exomes below 0.00001; TOPMed below 0.00001.
gnomAD v4.1: 1 of 1,613,832 alleles (0.000062%); no homozygotes.

Submission:

Laboratory for Molecular Medicine, Mass General Brigham Personalized Medicine
Classification: Uncertain significance. Last evaluated: 2021-10-04. Review status: criteria provided, single submitter. Criteria: ACMG Guidelines, 2015. Collection method: clinical testing. Allele origin: germline.
Comment: The p.Gly1902Glu variant in USH2A has not been previously reported in individuals with Usher syndrome and was absent from large population studies. Computational prediction tools and conservation analyses suggest that this variant may impact the protein, though this information is not predictive enough to determine pathogenicity. In summary, the clinical significance of this variant is uncertain. ACMG/AMP Criteria applied: PM2_P, PP3.